The following is an entry in ClinVar:

NM_002156.5(HSPD1):c.1121T>C (p.Ile374Thr)

Gene: HSPD1 (heat shock protein family D (Hsp60) member 1; minus strand). Cytogenetic location: 2q33.1.
Variant type: single nucleotide variant.
Coding change: c.1121T>C on transcript NM_002156.5 (MANE Select); coding-DNA position 1121, T replaced by C.
Protein change: p.Ile374Thr; replaces isoleucine 374 with threonine.
Molecular consequence: missense variant.
Genome position (GRCh38, 1-based): chr2:197,489,096, A>G on the plus strand (T>C on the coding strand, the complement: HSPD1 is on the minus strand). VCF-style: chr2-197489096-A-G. GRCh37 (hg19) VCF-style: chr2-198353820-A-G.
Other names: c.1121T>C, p.Ile374Thr (NM_199440.2); short protein forms I374T.
Identifiers: ClinVar variation 4755838 (VCV004755838.1).

ClinVar aggregate classification (germline): Uncertain significance (1 of 4 stars; one submission).

Submission:

GeneDx
Classification: Uncertain significance. Last evaluated: 2025-08-03. Review status: criteria provided, single submitter. Criteria: GeneDx Variant Classification Process June 2021. Collection method: clinical testing. Allele origin: germline. Affected: yes.
Comment: Not observed at significant frequency in large population cohorts (gnomAD); In silico analysis supports that this missense variant has a deleterious effect on protein structure/function; Has not been previously published as pathogenic or benign to our knowledge